The following is an entry in ClinVar:

ClinVar aggregate classification (germline): Uncertain significance. Review status: criteria provided, multiple submitters, no conflicts (2 of 4 stars). 7 submissions from 7 submitters: Uncertain significance (7). Last evaluated 2025-08-10.

Submissions (7):

Labcorp Genetics (formerly Invitae), Labcorp
Classification: Uncertain significance. Last evaluated: 2025-08-10. Review status: criteria provided, single submitter. Criteria: Invitae Variant Classification Sherloc (09022015). Collection method: clinical testing. Allele origin: germline.
Comment: This variant, c.1427_1429del, results in the deletion of 1 amino acid(s) of the SLC4A1 protein (p.Phe476del), but otherwise preserves the integrity of the reading frame. This variant is not present in population databases (gnomAD no frequency). This variant has not been reported in the literature in individuals affected with SLC4A1-related conditions. ClinVar contains an entry for this variant (Variation ID: 2436048). Experimental studies and prediction algorithms are not available or were not evaluated, and the functional significance of this variant is currently unknown. In summary, the available evidence is currently insufficient to determine the role of this variant in disease. Therefore, it has been classified as a Variant of Uncertain Significance.

GeneDx
Classification: Uncertain significance. Last evaluated: 2025-03-05. Review status: criteria provided, single submitter. Criteria: GeneDx Variant Classification Process June 2021. Collection method: clinical testing. Allele origin: germline. Affected: yes.
Comment: Not observed at significant frequency in large population cohorts (gnomAD); In-frame deletion of one amino acid in a non-repeat region; In silico analysis supports a deleterious effect on protein structure/function; In silico analysis is inconclusive as to whether the variant alters gene splicing. In the absence of RNA/functional studies, the actual effect of this sequence change is unknown; Has not been previously published as pathogenic or benign to our knowledge

Center for Genomic Medicine, Rigshospitalet, Copenhagen University Hospital
Classification: Uncertain significance. Last evaluated: 2025-03-04. Review status: criteria provided, single submitter. Criteria: ACMG Guidelines, 2015. Collection method: clinical testing. Allele origin: germline.
Comment: Classification criteria: PM2_supporting, PM4

ARUP Laboratories, Molecular Genetics and Genomics, ARUP Laboratories
Classification: Uncertain significance. Last evaluated: 2024-08-15. Review status: criteria provided, single submitter. Criteria: ARUP Molecular Germline Variant Investigation Process 2024. Collection method: clinical testing. Allele origin: germline.
Comment: The SLC4A1 c.1427_1429del; p.Phe476del variant, to our knowledge, is not reported in the medical literature but is reported in ClinVar (Variation ID: 2436048). This variant is absent from the Genome Aggregation Database (v2.1.1), indicating it is not a common polymorphism. This variant deletes a single phenylalanine residue leaving the rest of the protein in-frame. Due to limited information, the clinical significance of this variant is uncertain at this time.

Revvity Omics, Revvity
Classification: Uncertain significance. Last evaluated: 2024-06-25. Review status: criteria provided, single submitter. Criteria: ACMG Guidelines, 2015. Collection method: clinical testing. Allele origin: germline.

Mayo Clinic Laboratories, Mayo Clinic
Classification: Uncertain significance. Last evaluated: 2022-09-12. Review status: criteria provided, single submitter. Criteria: ACMG Guidelines, 2015. Collection method: clinical testing. Allele origin: germline. Observed: 1 variant allele.
Comment: PM2, PM4

Blueprint Genetics
Classification: Uncertain significance. Last evaluated: 2021-07-11. Review status: criteria provided, single submitter. Criteria: ACMG Guidelines, 2015. Collection method: clinical testing. Allele origin: germline.

NM_000342.4(SLC4A1):c.1424TCT[1] (p.Phe476del)

Gene: SLC4A1 (solute carrier family 4 member 1 (Diego blood group); minus strand). Cytogenetic location: 17q21.31.
Variant type: Microsatellite.
Coding change: c.1424TCT[1] on transcript NM_000342.4 (MANE Select); one copy of the 3-base unit TCT starting at c.1424; the reference has two copies in a row; one copy, 3 bases deleted; also written c.1427_1429del.
Protein change: p.Phe476del; deletes phenylalanine 476.
Molecular consequence: inframe deletion.
Genome position (GRCh38, 1-based): chr17:44,257,661-44,257,663, AGA deleted on the plus strand (TCT on the coding strand, the reverse complement: SLC4A1 is on the minus strand); deleting any 3 consecutive bases within chr17:44,257,661-44,257,668 gives the same sequence; the position shown is the placement nearest the transcript's 3' end. VCF-style (leftmost placement, unchanged base first): chr17-44257660-GAGA-G. GRCh37 (hg19) VCF-style: chr17-42335028-GAGA-G.
Other names: p.Phe476del; c.1427_1429del (NM_000342.4, NM_000342.3); c.1427_1429delTCT (NM_000342.3, NM_000342.4); short protein forms F476del.
Identifiers: ClinVar variation 2436048 (VCV002436048.8), dbSNP rs2509965960, ClinGen allele CA2580613148.